The following is an entry in ClinVar:

NM_015346.4(ZFYVE26):c.626dup (p.Val210fs)

Gene: ZFYVE26 (zinc finger FYVE-type containing 26; minus strand). Cytogenetic location: 14q24.1.
Variant type: Duplication.
Coding change: c.626dup on transcript NM_015346.4 (MANE Select); coding-DNA position 626, one base duplicated (C; older notation c.626dupC).
Protein change: p.Val210fs; shifts the reading frame from valine 210.
Molecular consequence: frameshift variant.
Genome position (GRCh38, 1-based): chr14:67,807,658, G duplicated on the plus strand (C on the coding strand, the reverse complement: ZFYVE26 is on the minus strand). VCF-style (leftmost placement, unchanged base first): chr14-67807657-C-CG. GRCh37 (hg19) VCF-style: chr14-68274374-C-CG.
Other names: short protein forms V210fs.
Identifiers: ClinVar variation 5014199 (VCV005014199.1).

ClinVar aggregate classification (germline): Pathogenic (1 of 4 stars; one submission).

Conditions:
Hereditary spastic paraplegia 15 (SPG15). Also called: SPASTIC PARAPLEGIA 15, AUTOSOMAL RECESSIVE; KJELLIN SYNDROME; SPASTIC PARAPLEGIA AND RETINAL DEGENERATION. Identifiers: Orphanet 100996, MedGen C1849128, MONDO:0010044, OMIM 270700.

Submission:

Myriad Genetics, Inc.
Classification: Pathogenic for Hereditary spastic paraplegia 15. Last evaluated: 2025-03-10. Review status: criteria provided, single submitter. Criteria: Myriad Autosomal Dominant, Autosomal Recessive and X-Linked Classification Criteria (2023). Collection method: clinical testing. Allele origin: unknown.
Comment: NM_015346.3(ZFYVE26):c.626dupC(V210Gfs*26) is expected to be pathogenic in the context of spastic paraplegia type 15. This variant is predicted to lead to an abnormal or absent protein product due to the creation of a premature termination codon in ZFYVE26, a gene where loss-of-function variants are known to be pathogenic. Please note: this variant was assessed in the context of healthy population screening.